The following is an entry in ClinVar:

NM_181486.4(TBX5):c.1282G>A (p.Ala428Thr)

Gene: TBX5 (T-box transcription factor 5; minus strand). Cytogenetic location: 12q24.21.
Variant type: single nucleotide variant.
Coding change: c.1282G>A on transcript NM_181486.4 (MANE Select); coding-DNA position 1282, G replaced by A.
Protein change: p.Ala428Thr; replaces alanine 428 with threonine.
Molecular consequence: missense variant.
Genome position (GRCh38, 1-based): chr12:114,355,807, C>T on the plus strand (G>A on the coding strand, the complement: TBX5 is on the minus strand). VCF-style: chr12-114355807-C-T. GRCh37 (hg19) VCF-style: chr12-114793612-C-T.
Other names: c.1282G>A, p.Ala428Thr (NM_000192.3); c.1132G>A, p.Ala378Thr (NM_080717.4); short protein forms A428T, A378T.
Identifiers: ClinVar variation 1768268 (VCV001768268.7), dbSNP rs577615373, ClinGen allele CA6809364.
Genomic context (GRCh38, chr12:114,355,807, plus strand): 5'-GGGAGCCATGGTTGGCCATGCCAGCCAGCCGAGGGACCAGGGGCCCCGAGGTGAAGTGAG[C>T]GGAGAAGTGCTGGTAGGGTAGCCTGTCCATGGGCTGCACGGTGGTGACGGTGCAGCTGCT-3'
Protein context (NP_852259.1, residues 418-438): MDRLPYQHFS[Ala428Thr]HFTSGPLVPR

ClinVar aggregate classification (germline): Conflicting classifications of pathogenicity. Review status: criteria provided, conflicting classifications (1 of 4 stars). 3 submissions from 3 submitters: Uncertain significance (1); Likely benign (2). Last evaluated 2025-05-22.

Conditions:
Aortic valve disease 2 (AOVD2). Identifiers: MedGen C3542024, MONDO:0013902, OMIM 614823.
Cardiovascular phenotype. Identifiers: MedGen CN230736.

Allele frequency attached by ClinVar (database versions not stated): TOPMed below 0.00001; gnomAD 0.00003; 1000 Genomes Project 0.00040; 1000 Genomes Project 30x 0.00047.
gnomAD v4.1: 95 of 1,614,042 alleles (0.0059%); highest among the groups gnomAD compares: South Asian, 0.075%; no homozygotes.

Submissions (3):

Labcorp Genetics (formerly Invitae), Labcorp
Classification: Likely benign for Aortic valve disease 2. Last evaluated: 2025-05-22. Review status: criteria provided, single submitter. Criteria: Invitae Variant Classification Sherloc (09022015). Collection method: clinical testing. Allele origin: germline.

Ambry Genetics
Classification: Uncertain significance for Cardiovascular phenotype. Last evaluated: 2024-10-14. Review status: criteria provided, single submitter. Criteria: Ambry Variant Classification Scheme 2023. Collection method: clinical testing. Allele origin: germline.
Comment: The p.A428T variant (also known as c.1282G>A), located in coding exon 8 of the TBX5 gene, results from a G to A substitution at nucleotide position 1282. The alanine at codon 428 is replaced by threonine, an amino acid with similar properties. This amino acid position is highly conserved in available vertebrate species. In addition, the in silico prediction for this alteration is inconclusive. Since supporting evidence is limited at this time, the clinical significance of this alteration remains unclear.

Blueprint Genetics
Classification: Likely benign. Last evaluated: 2023-08-22. Review status: criteria provided, single submitter. Criteria: ACMG Guidelines, 2015. Collection method: clinical testing. Allele origin: germline.